The following is an entry in ClinVar:

ClinVar aggregate classification (germline): Uncertain significance (1 of 4 stars; one submission).

Submission:

Labcorp Genetics (formerly Invitae), Labcorp
Classification: Uncertain significance. Last evaluated: 2025-03-24. Review status: criteria provided, single submitter. Criteria: Invitae Variant Classification Sherloc (09022015). Collection method: clinical testing. Allele origin: germline.
Comment: This sequence change replaces alanine, which is neutral and non-polar, with valine, which is neutral and non-polar, at codon 1634 of the FBN3 protein (p.Ala1634Val). This variant is not present in population databases (gnomAD no frequency). This variant has not been reported in the literature in individuals affected with FBN3-related conditions. Invitae Evidence Modeling of protein sequence and biophysical properties (such as structural, functional, and spatial information, amino acid conservation, physicochemical variation, residue mobility, and thermodynamic stability) indicates that this missense variant is not expected to disrupt FBN3 protein function with a negative predictive value of 80%. In summary, the available evidence is currently insufficient to determine the role of this variant in disease. Therefore, it has been classified as a Variant of Uncertain Significance.

NM_032447.5(FBN3):c.4901C>T (p.Ala1634Val)

Gene: FBN3 (fibrillin 3; minus strand). Cytogenetic location: 19p13.2.
Variant type: single nucleotide variant.
Coding change: c.4901C>T on transcript NM_032447.5 (MANE Select); coding-DNA position 4901, C replaced by T.
Protein change: p.Ala1634Val; replaces alanine 1634 with valine.
Molecular consequence: missense variant.
Genome position (GRCh38, 1-based): chr19:8,103,600, G>A on the plus strand (C>T on the coding strand, the complement: FBN3 is on the minus strand). VCF-style: chr19-8103600-G-A. GRCh37 (hg19) VCF-style: chr19-8168484-G-A.
Other names: c.4901C>T, p.Ala1634Val (NM_001321431.2); short protein forms A1634V.
Identifiers: ClinVar variation 4695527 (VCV004695527.1).